The following is an entry in ClinVar:

ClinVar aggregate classification (germline): Benign. Review status: criteria provided, multiple submitters, no conflicts (2 of 4 stars). 6 submissions from 6 submitters: Benign (5). 1 of the submissions does not count toward it. Last evaluated 2026-02-04.

Conditions:
Pyruvate carboxylase deficiency. Also called: ATAXIA WITH LACTIC ACIDOSIS II; LEIGH NECROTIZING ENCEPHALOPATHY DUE TO PYRUVATE CARBOXYLASE DEFICIENCY; LEIGH SYNDROME DUE TO PYRUVATE CARBOXYLASE DEFICIENCY; PC DEFICIENCY; Pyruvate Carboxylase Deficiency Disease. Identifiers: Orphanet 3008, MedGen C0034341, MONDO:0009949, OMIM 266150.

Allele frequency attached by ClinVar (database versions not stated): 1000 Genomes Project 30x 0.02545; 1000 Genomes Project 0.02596; gnomAD 0.03311; TOPMed 0.03370; ExAC 0.04128.
gnomAD v4.1: 76,732 of 1,607,666 alleles (4.8%); highest among the groups gnomAD compares: Middle Eastern, 8%; 2,092 homozygotes.

Submissions (31):

Labcorp Genetics (formerly Invitae), Labcorp
Classification: Benign for Pyruvate carboxylase deficiency. Last evaluated: 2026-02-04. Review status: criteria provided, single submitter. Criteria: Invitae Variant Classification Sherloc (09022015). Collection method: clinical testing. Allele origin: germline.

Genome-Nilou Lab
Classification: Benign for Pyruvate carboxylase deficiency. Last evaluated: 2021-09-05. Review status: criteria provided, single submitter. Criteria: ACMG Guidelines, 2015. Collection method: clinical testing. Allele origin: germline. Affected: no.

Illumina Laboratory Services, Illumina
Classification: Benign for Pyruvate carboxylase deficiency. Last evaluated: 2018-01-12. Review status: criteria provided, single submitter. Criteria: ICSL Variant Classification Criteria 13 December 2019. Collection method: clinical testing. Allele origin: germline.
Comment: This variant was observed in the ICSL laboratory as part of a predisposition screen in an ostensibly healthy population. It had not been previously curated by ICSL or reported in the Human Gene Mutation Database (HGMD: prior to June 1st, 2018), and was therefore a candidate for classification through an automated scoring system. Utilizing variant allele frequency, disease prevalence and penetrance estimates, and inheritance mode, an automated score was calculated to assess if this variant is too frequent to cause the disease. Based on the score and internal cut-off values, a variant classified as benign is not then subjected to further curation. The score for this variant resulted in a classification of benign for this disease.

GeneDx
Classification: Benign. Last evaluated: 2012-05-03. Review status: criteria provided, single submitter. Criteria: GeneDx Variant Classification (06012015). Collection method: clinical testing. Allele origin: germline. Affected: yes.
Comment: This variant is considered likely benign or benign based on one or more of the following criteria: it is a conservative change, it occurs at a poorly conserved position in the protein, it is predicted to be benign by multiple in silico algorithms, and/or has population frequency not consistent with disease.

Breakthrough Genomics
Classification: Benign. Review status: criteria provided, single submitter. Criteria: ACMG Guidelines, 2015. Collection method: not provided. Allele origin: germline. Inheritance: Autosomal recessive inheritance. Affected: yes.

Mayo Clinic Laboratories, Mayo Clinic
Classification: Benign. Last evaluated: 2016-02-19. Review status: no assertion criteria provided. Collection method: clinical testing. Allele origin: unknown. Not counted in ClinVar's aggregate classification.

Dr. Peter K. Rogan Lab, Western University
No classification provided (evidence only). Condition: Acute myeloid leukemia. Review status: no classification provided. Collection method: in vitro. Allele origin: not applicable. Functional consequence: retained intron. Not counted in ClinVar's aggregate classification.

Dr. Peter K. Rogan Lab, Western University
No classification provided (evidence only). Condition: Uterine corpus endometrial carcinoma. Review status: no classification provided. Collection method: in vitro. Allele origin: not applicable. Functional consequence: retained intron. Not counted in ClinVar's aggregate classification.

Dr. Peter K. Rogan Lab, Western University
No classification provided (evidence only). Condition: Uterine corpus endometrial carcinoma. Review status: no classification provided. Collection method: in vitro. Allele origin: not applicable. Functional consequence: retained intron. Not counted in ClinVar's aggregate classification.

Dr. Peter K. Rogan Lab, Western University
No classification provided (evidence only). Condition: Uterine corpus endometrial carcinoma. Review status: no classification provided. Collection method: in vitro. Allele origin: not applicable. Functional consequence: retained intron. Not counted in ClinVar's aggregate classification.

Dr. Peter K. Rogan Lab, Western University
No classification provided (evidence only). Condition: Uterine corpus endometrial carcinoma. Review status: no classification provided. Collection method: in vitro. Allele origin: not applicable. Functional consequence: retained intron. Not counted in ClinVar's aggregate classification.

Dr. Peter K. Rogan Lab, Western University
No classification provided (evidence only). Condition: Uterine corpus endometrial carcinoma. Review status: no classification provided. Collection method: in vitro. Allele origin: not applicable. Functional consequence: retained intron. Not counted in ClinVar's aggregate classification.

Dr. Peter K. Rogan Lab, Western University
No classification provided (evidence only). Condition: Cervical cancer. Review status: no classification provided. Collection method: in vitro. Allele origin: not applicable. Functional consequence: retained intron. Not counted in ClinVar's aggregate classification.

Dr. Peter K. Rogan Lab, Western University
No classification provided (evidence only). Condition: Cervical cancer. Review status: no classification provided. Collection method: in vitro. Allele origin: not applicable. Functional consequence: retained intron. Not counted in ClinVar's aggregate classification.

Dr. Peter K. Rogan Lab, Western University
No classification provided (evidence only). Condition: Cervical cancer. Review status: no classification provided. Collection method: in vitro. Allele origin: not applicable. Functional consequence: retained intron. Not counted in ClinVar's aggregate classification.

Dr. Peter K. Rogan Lab, Western University
No classification provided (evidence only). Condition: Sarcoma. Review status: no classification provided. Collection method: in vitro. Allele origin: not applicable. Functional consequence: retained intron. Not counted in ClinVar's aggregate classification.

Dr. Peter K. Rogan Lab, Western University
No classification provided (evidence only). Condition: Thymoma. Review status: no classification provided. Collection method: in vitro. Allele origin: not applicable. Functional consequence: retained intron. Not counted in ClinVar's aggregate classification.

Dr. Peter K. Rogan Lab, Western University
No classification provided (evidence only). Condition: Gastric cancer. Review status: no classification provided. Collection method: in vitro. Allele origin: not applicable. Functional consequence: retained intron. Not counted in ClinVar's aggregate classification.

Dr. Peter K. Rogan Lab, Western University
No classification provided (evidence only). Condition: Gastric cancer. Review status: no classification provided. Collection method: in vitro. Allele origin: not applicable. Functional consequence: retained intron. Not counted in ClinVar's aggregate classification.

Dr. Peter K. Rogan Lab, Western University
No classification provided (evidence only). Condition: Gastric cancer. Review status: no classification provided. Collection method: in vitro. Allele origin: not applicable. Functional consequence: retained intron. Not counted in ClinVar's aggregate classification.

Dr. Peter K. Rogan Lab, Western University
No classification provided (evidence only). Condition: Gastric cancer. Review status: no classification provided. Collection method: in vitro. Allele origin: not applicable. Functional consequence: retained intron. Not counted in ClinVar's aggregate classification.

Dr. Peter K. Rogan Lab, Western University
No classification provided (evidence only). Condition: Gastric cancer. Review status: no classification provided. Collection method: in vitro. Allele origin: not applicable. Functional consequence: retained intron. Not counted in ClinVar's aggregate classification.

Dr. Peter K. Rogan Lab, Western University
No classification provided (evidence only). Condition: Uterine carcinosarcoma. Review status: no classification provided. Collection method: in vitro. Allele origin: not applicable. Functional consequence: retained intron. Not counted in ClinVar's aggregate classification.

Dr. Peter K. Rogan Lab, Western University
No classification provided (evidence only). Condition: Uveal melanoma. Review status: no classification provided. Collection method: in vitro. Allele origin: not applicable. Functional consequence: retained intron. Not counted in ClinVar's aggregate classification.

Dr. Peter K. Rogan Lab, Western University
No classification provided (evidence only). Condition: Malignant tumor of esophagus. Review status: no classification provided. Collection method: in vitro. Allele origin: not applicable. Functional consequence: retained intron. Not counted in ClinVar's aggregate classification.

Dr. Peter K. Rogan Lab, Western University
No classification provided (evidence only). Condition: Malignant tumor of esophagus. Review status: no classification provided. Collection method: in vitro. Allele origin: not applicable. Functional consequence: retained intron. Not counted in ClinVar's aggregate classification.

Dr. Peter K. Rogan Lab, Western University
No classification provided (evidence only). Condition: Malignant tumor of esophagus. Review status: no classification provided. Collection method: in vitro. Allele origin: not applicable. Functional consequence: retained intron. Not counted in ClinVar's aggregate classification.

Dr. Peter K. Rogan Lab, Western University
No classification provided (evidence only). Condition: Malignant tumor of esophagus. Review status: no classification provided. Collection method: in vitro. Allele origin: not applicable. Functional consequence: retained intron. Not counted in ClinVar's aggregate classification.

Dr. Peter K. Rogan Lab, Western University
No classification provided (evidence only). Condition: Malignant tumor of esophagus. Review status: no classification provided. Collection method: in vitro. Allele origin: not applicable. Functional consequence: retained intron. Not counted in ClinVar's aggregate classification.

Dr. Peter K. Rogan Lab, Western University
No classification provided (evidence only). Condition: Malignant tumor of esophagus. Review status: no classification provided. Collection method: in vitro. Allele origin: not applicable. Functional consequence: retained intron. Not counted in ClinVar's aggregate classification.

Dr. Peter K. Rogan Lab, Western University
No classification provided (evidence only). Condition: Malignant tumor of esophagus. Review status: no classification provided. Collection method: in vitro. Allele origin: not applicable. Functional consequence: retained intron. Not counted in ClinVar's aggregate classification.

NM_001040716.2(PC):c.2224-9T>G

Gene: PC (pyruvate carboxylase; minus strand). Cytogenetic location: 11q13.2.
Variant type: single nucleotide variant.
Coding change: c.2224-9T>G on transcript NM_001040716.2 (MANE Select); 9 bases into the intron before coding-DNA position 2224, T replaced by G.
Molecular consequence: intron variant.
Genome position (GRCh38, 1-based): chr11:66,850,932, A>C on the plus strand (T>G on the coding strand, the complement: PC is on the minus strand). VCF-style: chr11-66850932-A-C. GRCh37 (hg19) VCF-style: chr11-66618403-A-C.
Other names: c.2224-9T>G (NM_000920.4, NM_022172.3).
Identifiers: ClinVar variation 138578 (VCV000138578.22), dbSNP rs45560936, ClinGen allele CA292671.